The following is an entry in ClinVar:

ClinVar aggregate classification (germline): Pathogenic. Review status: criteria provided, multiple submitters, no conflicts (2 of 4 stars). 2 submissions from 2 submitters: Pathogenic (2). Last evaluated 2024-10-19.

Conditions:
Thrombocytopenia 1. Also called: THROMBOCYTOPENIA, X-LINKED, 1; X-linked thrombocytopenia with normal platelets; X-Linked Thrombocytopenia (XLT). Identifiers: Orphanet 268322, Orphanet 852, MedGen C1839163, MONDO:0010743, OMIM 313900.
Wiskott-Aldrich syndrome (WAS). Also called: ALDRICH SYNDROME; IMMUNODEFICIENCY 2; WISKOTT-ALDRICH SYNDROME 1; Wiskott-aldrich syndrome, somatic. Identifiers: Orphanet 906, MedGen C0043194, MONDO:0010518, OMIM 301000.
X-linked severe congenital neutropenia (SCNX). Identifiers: Orphanet 86788, MedGen C1845987, MONDO:0010294, OMIM 300299.

Submissions (2):

Labcorp Genetics (formerly Invitae), Labcorp
Classification: Pathogenic for Wiskott-Aldrich syndrome; X-linked severe congenital neutropenia; Thrombocytopenia 1. Last evaluated: 2024-10-19. Review status: criteria provided, single submitter. Criteria: Invitae Variant Classification Sherloc (09022015). Collection method: clinical testing. Allele origin: germline.
Comment: This sequence change creates a premature translational stop signal (p.Arg211*) in the WAS gene. It is expected to result in an absent or disrupted protein product. Loss-of-function variants in WAS are known to be pathogenic (PMID: 15284122). This variant is not present in population databases (gnomAD no frequency). This premature translational stop signal has been observed in individual(s) with Wiskott–Aldrich syndrome (PMID: 8595430, 21185603). ClinVar contains an entry for this variant (Variation ID: 647830). For these reasons, this variant has been classified as Pathogenic.

CeGaT Center for Human Genetics Tuebingen
Classification: Pathogenic. Last evaluated: 2022-01-01. Review status: criteria provided, single submitter. Criteria: CeGaT Center For Human Genetics Tuebingen Variant Classification Criteria Version 2. Collection method: clinical testing. Allele origin: germline. Affected: yes. Observed: 1 variant allele.

Literature cited by the submitters: PubMed 15284122 (cited by Labcorp Genetics (formerly Invitae), Labcorp); PubMed 8595430 (cited by Labcorp Genetics (formerly Invitae), Labcorp); PubMed 21185603 (cited by Labcorp Genetics (formerly Invitae), Labcorp).

NM_000377.3(WAS):c.631C>T (p.Arg211Ter)

Gene: WAS (WASP actin nucleation promoting factor; plus strand). Cytogenetic location: Xp11.23.
Variant type: single nucleotide variant.
Coding change: c.631C>T on transcript NM_000377.3 (MANE Select); coding-DNA position 631, C replaced by T.
Protein change: p.Arg211Ter; replaces arginine 211 with a stop codon.
Molecular consequence: nonsense.
Genome position (GRCh38, 1-based): chrX:48,686,852, C>T. VCF-style: chrX-48686852-C-T. GRCh37 (hg19) VCF-style: chrX-48545241-C-T.
Other names: short protein forms R211*.
Identifiers: ClinVar variation 647830 (VCV000647830.41), dbSNP rs1602178165, ClinGen allele CA412870494.